The following is an entry in ClinVar:

NM_001276345.2(TNNT2):c.-1C>A

Gene: TNNT2 (troponin T2, cardiac type; minus strand). Cytogenetic location: 1q32.1.
Variant type: single nucleotide variant.
Coding change: c.-1C>A on transcript NM_001276345.2 (MANE Select); 1 bases upstream of the start codon, C replaced by A.
Molecular consequence: 5 prime UTR variant.
Genome position (GRCh38, 1-based): chr1:201,373,255, G>T on the plus strand (C>A on the coding strand, the complement: TNNT2 is on the minus strand). VCF-style: chr1-201373255-G-T. GRCh37 (hg19) VCF-style: chr1-201342383-G-T.
Other names: c.-1C>A (NM_001001432.3, NM_001276346.2, NM_001276347.2 and 9 more transcripts).
Identifiers: ClinVar variation 294896 (VCV000294896.11), dbSNP rs776936911, ClinGen allele CA10609489.

ClinVar aggregate classification (germline): Uncertain significance. Review status: criteria provided, multiple submitters, no conflicts (2 of 4 stars). 9 submissions from 5 submitters: Uncertain significance (9). Last evaluated 2026-09-21.

Conditions:
Cardiomyopathy (CMYO). Also called: Cardiomyopathies. Identifiers: Orphanet 167848, MedGen C0878544, MONDO:0004994, HP:0001638. Inheritance: Various modes of inheritance.
Cardiovascular phenotype. Identifiers: MedGen CN230736.
Cardiomyopathy, familial restrictive, 3. Identifiers: Orphanet 75249, MedGen C2676271, MONDO:0012900, OMIM 612422.
Hypertrophic cardiomyopathy 2. Also called: TNNT2-Related Familial Hypertrophic Cardiomyopathy. Identifiers: MedGen C1861864, MONDO:0007266, OMIM 115195.
Dilated cardiomyopathy 1D. Identifiers: Orphanet 154, Orphanet 54260, MedGen C1832243, MONDO:0011095, OMIM 601494.

Allele frequency attached by ClinVar (database versions not stated): TOPMed 0.00001.
gnomAD v4.1: 25 of 1,614,022 alleles (0.0015%); highest among the groups gnomAD compares: Non-Finnish European, 0.002%; no homozygotes.

Submissions (9):

Molecular Diagnostic Laboratory for Inherited Cardiovascular Disease, Montreal Heart Institute
Classification: Uncertain significance for Cardiovascular phenotype. Last evaluated: 2026-09-21. Review status: criteria provided, single submitter. Criteria: ACMG Guidelines, 2015. Collection method: clinical testing. Allele origin: germline. Affected: yes.
Comment: PVS1_supp, PM2

Color Diagnostics, LLC DBA Color Health
Classification: Uncertain significance for Cardiomyopathy. Last evaluated: 2025-06-17. Review status: criteria provided, single submitter. Criteria: ACMG Guidelines, 2015. Collection method: clinical testing. Allele origin: germline.
Comment: This variant is located in the 5' untranslated region of the TNNT2 gene. To our knowledge, functional studies have not been reported for this variant. This variant has been reported in an individual affected with hypertrophic cardiomyopathy (PMID: 33495597). This variant has been identified in 3/251432 chromosomes in the general population by the Genome Aggregation Database (gnomAD). The available evidence is insufficient to determine the role of this variant in disease conclusively. Therefore, this variant is classified as a Variant of Uncertain Significance.

Ambry Genetics
Classification: Uncertain significance for Cardiovascular phenotype. Last evaluated: 2024-03-13. Review status: criteria provided, single submitter. Criteria: Ambry Variant Classification Scheme 2023. Collection method: clinical testing. Allele origin: germline.
Comment: The c.-1C>A variant is located in the 5' untranslated region (5&rsquo; UTR) of the TNNT2 gene. This variant results from a C to A substitution 1 nucleotide upstream from the first translated codon. This nucleotide position is highly conserved in available vertebrate species. Since supporting evidence is limited at this time, the clinical significance of this alteration remains unclear.

Genome-Nilou Lab
Classification: Uncertain significance for Dilated cardiomyopathy 1D. Last evaluated: 2023-04-11. Review status: criteria provided, single submitter. Criteria: ACMG Guidelines, 2015. Collection method: clinical testing. Allele origin: germline. Affected: no.

Genome-Nilou Lab
Classification: Uncertain significance for Cardiomyopathy, familial restrictive, 3. Last evaluated: 2023-04-11. Review status: criteria provided, single submitter. Criteria: ACMG Guidelines, 2015. Collection method: clinical testing. Allele origin: germline. Affected: no.

Genome-Nilou Lab
Classification: Uncertain significance for Hypertrophic cardiomyopathy 2. Last evaluated: 2023-04-11. Review status: criteria provided, single submitter. Criteria: ACMG Guidelines, 2015. Collection method: clinical testing. Allele origin: germline. Affected: no.

Illumina Laboratory Services, Illumina
Classification: Uncertain significance for Dilated cardiomyopathy 1D. Last evaluated: 2018-01-13. Review status: criteria provided, single submitter. Criteria: ICSL Variant Classification Criteria 13 December 2019. Collection method: clinical testing. Allele origin: germline.

Illumina Laboratory Services, Illumina
Classification: Uncertain significance for Cardiomyopathy, familial restrictive, 3. Last evaluated: 2018-01-13. Review status: criteria provided, single submitter. Criteria: ICSL Variant Classification Criteria 13 December 2019. Collection method: clinical testing. Allele origin: germline.

Illumina Laboratory Services, Illumina
Classification: Uncertain significance for Hypertrophic cardiomyopathy 2. Last evaluated: 2018-01-13. Review status: criteria provided, single submitter. Criteria: ICSL Variant Classification Criteria 13 December 2019. Collection method: clinical testing. Allele origin: germline.

Literature cited by the submitters: PubMed 33495597 (cited by Color Diagnostics, LLC DBA Color Health).